The following is an entry in ClinVar:

ClinVar aggregate classification (germline): Uncertain significance. Review status: criteria provided, multiple submitters, no conflicts (2 of 4 stars). 2 submissions from 2 submitters: Uncertain significance (2). Last evaluated 2025-01-11.

Conditions:
Hereditary cancer-predisposing syndrome. Also called: Neoplastic Syndromes, Hereditary; Hereditary Cancer Syndrome; Hereditary neoplastic syndrome; Tumor predisposition. Identifiers: Orphanet 140162, MedGen C0027672, MeSH D009386, MONDO:0015356.
Birt-Hogg-Dube syndrome. Also called: Birt Hogg Dubé syndrome. Identifiers: Orphanet 122, MedGen C0346010, MONDO:0800444.

gnomAD v4.1: 3 of 1,614,128 alleles (0.00019%); highest among the groups gnomAD compares: South Asian, 0.0011%; no homozygotes.

Submissions (2):

Labcorp Genetics (formerly Invitae), Labcorp
Classification: Uncertain significance for Birt-Hogg-Dube syndrome. Last evaluated: 2025-01-11. Review status: criteria provided, single submitter. Criteria: Invitae Variant Classification Sherloc (09022015). Collection method: clinical testing. Allele origin: germline.
Comment: This sequence change replaces alanine, which is neutral and non-polar, with threonine, which is neutral and polar, at codon 238 of the FLCN protein (p.Ala238Thr). This variant is present in population databases (no rsID available, gnomAD no frequency). This variant has not been reported in the literature in individuals affected with FLCN-related conditions. Invitae Evidence Modeling of protein sequence and biophysical properties (such as structural, functional, and spatial information, amino acid conservation, physicochemical variation, residue mobility, and thermodynamic stability) indicates that this missense variant is not expected to disrupt FLCN protein function with a negative predictive value of 80%. In summary, the available evidence is currently insufficient to determine the role of this variant in disease. Therefore, it has been classified as a Variant of Uncertain Significance.

Ambry Genetics
Classification: Uncertain significance for Hereditary cancer-predisposing syndrome. Last evaluated: 2024-12-11. Review status: criteria provided, single submitter. Criteria: Ambry Variant Classification Scheme 2023. Collection method: clinical testing. Allele origin: germline.
Comment: The p.A238T variant (also known as c.712G>A), located in coding exon 4 of the FLCN gene, results from a G to A substitution at nucleotide position 712. The alanine at codon 238 is replaced by threonine, an amino acid with similar properties. This amino acid position is highly conserved in available vertebrate species. In addition, the in silico prediction for this alteration is inconclusive. Based on the available evidence, the clinical significance of this variant remains unclear.

NM_144997.7(FLCN):c.712G>A (p.Ala238Thr)

Gene: FLCN (folliculin; minus strand). Cytogenetic location: 17p11.2.
Variant type: single nucleotide variant.
Coding change: c.712G>A on transcript NM_144997.7 (MANE Select); coding-DNA position 712, G replaced by A.
Protein change: p.Ala238Thr; replaces alanine 238 with threonine.
Molecular consequence: missense variant.
Genome position (GRCh38, 1-based): chr17:17,222,568, C>T on the plus strand (G>A on the coding strand, the complement: FLCN is on the minus strand). VCF-style: chr17-17222568-C-T. GRCh37 (hg19) VCF-style: chr17-17125882-C-T.
Other names: c.766G>A, p.Ala256Thr (NM_001353229.2); c.712G>A, p.Ala238Thr (NM_001353230.2, NM_001353231.2, NM_144606.7); short protein forms A238T, A256T.
Identifiers: ClinVar variation 3716016 (VCV003716016.3).
Genomic context (GRCh38, chr17:17,222,568, plus strand): 5'-AGGAGGTGTGCAGGCACGCCCACAGGTTGTCATCACTTGTCAGCGATGTCAGCGAGCGGG[C>T]GGCGTTGCCGTTCCTCTGGTGTAGGAATGGCGTGAAGGCTGTGTTCATCCTCTGAGCACG-3'
Protein context (NP_659434.2, residues 228-248): PFLHQRNGNA[Ala238Thr]RSLTSLTSDD